The following is an entry in ClinVar:

NM_144573.4(NEXN):c.116A>G (p.Gln39Arg)

Gene: NEXN (nexilin F-actin binding protein; plus strand). Cytogenetic location: 1p31.1.
Variant type: single nucleotide variant.
Coding change: c.116A>G on transcript NM_144573.4 (MANE Select); coding-DNA position 116, A replaced by G.
Protein change: p.Gln39Arg; replaces glutamine 39 with arginine.
Molecular consequence: missense variant. On other transcripts: intron variant (1).
Genome position (GRCh38, 1-based): chr1:77,917,654, A>G. VCF-style: chr1-77917654-A-G. GRCh37 (hg19) VCF-style: chr1-78383339-A-G.
Other names: c.28-306A>G (NM_001172309.2); short protein forms Q39R.
Identifiers: ClinVar variation 3404565 (VCV003404565.1).
Genomic context (GRCh38, chr1:77,917,654, plus strand): 5'-CAAAAACCTATGTACCAAAACTTGGCAAGGGTGATGTAAAGGATAAGTTTGAAGCCATGC[A>G]GAGAGCCAGGGAAGAAAGAAATCAAAGGAGATCTAGAGACGAAAAACAAAGAAGAAAAGA-3'
Protein context (NP_653174.3, residues 29-49): GDVKDKFEAM[Gln39Arg]RAREERNQRR

ClinVar aggregate classification (germline): Uncertain significance (1 of 4 stars; one submission).

Conditions:
Cardiovascular phenotype. Identifiers: MedGen CN230736.

Submission:

Ambry Genetics
Classification: Uncertain significance for Cardiovascular phenotype. Last evaluated: 2024-11-03. Review status: criteria provided, single submitter. Criteria: Ambry Variant Classification Scheme 2023. Collection method: clinical testing. Allele origin: germline.
Comment: The p.Q39R variant (also known as c.116A>G), located in coding exon 2 of the NEXN gene, results from an A to G substitution at nucleotide position 116. The glutamine at codon 39 is replaced by arginine, an amino acid with highly similar properties. This amino acid position is conserved. In addition, the in silico prediction for this alteration is inconclusive. Based on the available evidence, the clinical significance of this variant remains unclear.